The following is an entry in ClinVar:

NM_000059.4(BRCA2):c.9242T>G (p.Val3081Gly)

Gene: BRCA2 (BRCA2 DNA repair associated; plus strand). Cytogenetic location: 13q13.1.
Variant type: single nucleotide variant.
Coding change: c.9242T>G on transcript NM_000059.4 (MANE Select); coding-DNA position 9242, T replaced by G.
Protein change: p.Val3081Gly; replaces valine 3081 with glycine.
Molecular consequence: missense variant.
Genome position (GRCh38, 1-based): chr13:32,380,131, T>G. VCF-style: chr13-32380131-T-G. GRCh37 (hg19) VCF-style: chr13-32954268-T-G.
Other names: short protein forms V3081G.
Identifiers: ClinVar variation 531435 (VCV000531435.14), dbSNP rs80359189, ClinGen allele CA387758623.
Genomic context (GRCh38, chr13:32,380,131, plus strand): 5'-TAGATCCAGACTTTCAGCCATCTTGTTCTGAGGTGGACCTAATAGGATTTGTCGTTTCTG[T>G]TGTGAAAAAAACAGGTAATGCACAATATAGTTAATTTTTTTTATTGATTCTTTTAAAAAA-3'
Protein context (NP_000050.3, residues 3071-3091): EVDLIGFVVS[Val3081Gly]VKKTGLAPFV

ClinVar aggregate classification (germline): Uncertain significance. Review status: criteria provided, multiple submitters, no conflicts (2 of 4 stars). 2 submissions from 2 submitters: Uncertain significance (2). Last evaluated 2025-07-13.

Conditions:
Hereditary breast ovarian cancer syndrome. Also called: Hereditary breast and ovarian cancer syndrome (HBOC); BRCA1- and BRCA2-Associated Hereditary Breast and Ovarian Cancer; Hereditary breast and ovarian cancer syndrome; Breast and ovarian cancer; Hereditary breast and ovarian cancer; Hereditary breast and/or ovarian cancer syndrome. Identifiers: Orphanet 145, MedGen C0677776, MeSH D061325, MONDO:0003582. Disease mechanism: loss of function.
Hereditary cancer-predisposing syndrome. Also called: Hereditary neoplastic syndrome; Neoplastic Syndromes, Hereditary; Tumor predisposition; Hereditary Cancer Syndrome. Identifiers: Orphanet 140162, MedGen C0027672, MeSH D009386, MONDO:0015356.

Submissions (2):

Ambry Genetics
Classification: Uncertain significance for Hereditary cancer-predisposing syndrome. Last evaluated: 2025-07-13. Review status: criteria provided, single submitter. Criteria: Ambry Variant Classification Scheme 2023. Collection method: clinical testing. Allele origin: germline.
Comment: The p.V3081G variant (also known as c.9242T>G), located in coding exon 23 of the BRCA2 gene, results from a T to G substitution at nucleotide position 9242. The valine at codon 3081 is replaced by glycine, an amino acid with dissimilar properties. Two saturation genome editing-based studies, including a haploid cell-survival assay and a humanized mouse embryonic stem cell line assay of drug response and survival, demonstrate that this nucleotide substitution is non-functional (Huang H et al. Nature. 2025 Feb;638(8050):528-537; Sahu S et al. Nature. 2025 Feb;638(8050):538-545). However, another assay of homology-directed repair indicated that this alteration had an intermediate impact (personal communication). This amino acid position is not well conserved in available vertebrate species. In addition, this alteration is predicted to be deleterious by in silico analysis. Based on the available evidence, the clinical significance of this variant remains unclear.

Labcorp Genetics (formerly Invitae), Labcorp
Classification: Uncertain significance for Hereditary breast ovarian cancer syndrome. Last evaluated: 2025-05-23. Review status: criteria provided, single submitter. Criteria: Invitae Variant Classification Sherloc (09022015). Collection method: clinical testing. Allele origin: germline.
Comment: This sequence change replaces valine, which is neutral and non-polar, with glycine, which is neutral and non-polar, at codon 3081 of the BRCA2 protein (p.Val3081Gly). This variant is not present in population databases (gnomAD no frequency). This variant has not been reported in the literature in individuals affected with BRCA2-related conditions. ClinVar contains an entry for this variant (Variation ID: 531435). Invitae Evidence Modeling of protein sequence and biophysical properties (such as structural, functional, and spatial information, amino acid conservation, physicochemical variation, residue mobility, and thermodynamic stability) has been performed for this missense variant. However, the output from this modeling did not meet the statistical confidence thresholds required to predict the impact of this variant on BRCA2 protein function. In summary, the available evidence is currently insufficient to determine the role of this variant in disease. Therefore, it has been classified as a Variant of Uncertain Significance.